The following is an entry in ClinVar:

ClinVar aggregate classification (germline): Uncertain significance. Review status: criteria provided, multiple submitters, no conflicts (2 of 4 stars). 2 submissions from 2 submitters: Uncertain significance (2). Last evaluated 2025-03-10.

Conditions:
Cardiovascular phenotype. Identifiers: MedGen CN230736.

Allele frequency attached by ClinVar (database versions not stated): gnomAD exomes below 0.00001; TOPMed 0.00001.
gnomAD v4.1: 2 of 1,614,128 alleles (0.00012%); highest among the groups gnomAD compares: Non-Finnish European, 0.00017%; no homozygotes.

Submissions (2):

Labcorp Genetics (formerly Invitae), Labcorp
Classification: Uncertain significance. Last evaluated: 2025-03-10. Review status: criteria provided, single submitter. Criteria: Invitae Variant Classification Sherloc (09022015). Collection method: clinical testing. Allele origin: germline.
Comment: This sequence change replaces valine, which is neutral and non-polar, with alanine, which is neutral and non-polar, at codon 128 of the MFAP5 protein (p.Val128Ala). This variant is not present in population databases (gnomAD no frequency). This variant has not been reported in the literature in individuals affected with MFAP5-related conditions. ClinVar contains an entry for this variant (Variation ID: 1934649). An algorithm developed to predict the effect of missense changes on protein structure and function (PolyPhen-2) suggests that this variant is likely to be disruptive. In summary, the available evidence is currently insufficient to determine the role of this variant in disease. Therefore, it has been classified as a Variant of Uncertain Significance.

Ambry Genetics
Classification: Uncertain significance for Cardiovascular phenotype. Last evaluated: 2024-08-07. Review status: criteria provided, single submitter. Criteria: Ambry Variant Classification Scheme 2023. Collection method: clinical testing. Allele origin: germline.
Comment: The p.V128A variant (also known as c.383T>C), located in coding exon 8 of the MFAP5 gene, results from a T to C substitution at nucleotide position 383. The valine at codon 128 is replaced by alanine, an amino acid with similar properties. This amino acid position is conserved. In addition, the in silico prediction for this alteration is inconclusive. Based on the available evidence, the clinical significance of this variant remains unclear.

NM_003480.4(MFAP5):c.383T>C (p.Val128Ala)

Gene: MFAP5 (microfibril associated protein 5; minus strand). Cytogenetic location: 12p13.31.
Variant type: single nucleotide variant.
Coding change: c.383T>C on transcript NM_003480.4 (MANE Select); coding-DNA position 383, T replaced by C.
Protein change: p.Val128Ala; replaces valine 128 with alanine.
Molecular consequence: missense variant. On other transcripts: non-coding transcript variant (2), intron variant (1).
Genome position (GRCh38, 1-based): chr12:8,649,527, A>G on the plus strand (T>C on the coding strand, the complement: MFAP5 is on the minus strand). VCF-style: chr12-8649527-A-G. GRCh37 (hg19) VCF-style: chr12-8802123-A-G.
Other names: c.353T>C, p.Val118Ala (NM_001297709.2); c.317T>C, p.Val106Ala (NM_001297710.2); c.308T>C, p.Val103Ala (NM_001297711.2); c.218-1324T>C (NM_001297712.2); c.383T>C (NM_003480.2); short protein forms V128A, V103A, V106A, V118A.
Identifiers: ClinVar variation 1934649 (VCV001934649.6), dbSNP rs1941773955, ClinGen allele CA384038880.